The following is an entry in ClinVar:

ClinVar aggregate classification (germline): Uncertain significance. Review status: criteria provided, multiple submitters, no conflicts (2 of 4 stars). 2 submissions from 2 submitters: Uncertain significance (2). Last evaluated 2025-04-18.

Conditions:
Charcot-Marie-Tooth disease axonal type 2F (CMT2F). Also called: Charcot-Marie-Tooth Neuropathy Type 2F; CHARCOT-MARIE-TOOTH DISEASE, NEURONAL, TYPE 2F. Identifiers: Orphanet 99940, MedGen C1847823, MONDO:0011687, OMIM 606595.

Submissions (2):

Labcorp Genetics (formerly Invitae), Labcorp
Classification: Uncertain significance for Charcot-Marie-Tooth disease axonal type 2F. Last evaluated: 2025-04-18. Review status: criteria provided, single submitter. Criteria: Invitae Variant Classification Sherloc (09022015). Collection method: clinical testing. Allele origin: germline.
Comment: This sequence change results in a frameshift in the HSPB1 gene (p.Ser187Leufs*40). While this is not anticipated to result in nonsense mediated decay, it is expected to disrupt the last 19 amino acid(s) of the HSPB1 protein and extend the protein by 20 additional amino acid residues. This variant is not present in population databases (gnomAD no frequency). This variant has not been reported in the literature in individuals affected with HSPB1-related conditions. In summary, the available evidence is currently insufficient to determine the role of this variant in disease. Therefore, it has been classified as a Variant of Uncertain Significance.

GeneDx
Classification: Uncertain significance. Last evaluated: 2025-04-15. Review status: criteria provided, single submitter. Criteria: GeneDx Variant Classification Process June 2021. Collection method: clinical testing. Allele origin: germline. Affected: yes.
Comment: Not observed at significant frequency in large population cohorts (gnomAD); Frameshift variant predicted to result in abnormal protein length as the last 19 amino acids are replaced with 39 different amino acids; Has not been previously published as pathogenic or benign to our knowledge

NM_001540.5(HSPB1):c.560_572del (p.Ser187fs)

Gene: HSPB1 (heat shock protein family B (small) member 1; plus strand). Cytogenetic location: 7q11.23.
Variant type: Deletion.
Coding change: c.560_572del on transcript NM_001540.5 (MANE Select); coding-DNA positions 560 to 572, 13 bases deleted (CGCGGGCCCAGCT).
Protein change: p.Ser187fs; shifts the reading frame from serine 187.
Molecular consequence: frameshift variant.
Genome position (GRCh38, 1-based): chr7:76,304,115-76,304,127, CGCGGGCCCAGCT deleted; deleting any 13 consecutive bases within chr7:76,304,114-76,304,127 gives the same sequence; the c. name uses the placement nearest the transcript's 3' end. VCF-style (leftmost placement, unchanged base first): chr7-76304113-GTCGCGGGCCCAGC-G. GRCh37 (hg19) VCF-style: chr7-75933430-GTCGCGGGCCCAGC-G.
Other names: c.560_572delCGCGGGCCCAGCT, p.Ser187Leufs (NM_001540.3); short protein forms S187fs.
Identifiers: ClinVar variation 4282197 (VCV004282197.2).